The following is an entry in ClinVar:

NM_000070.3(CAPN3):c.136_145del (p.Ile46fs)

Gene: CAPN3 (calpain 3; plus strand). Cytogenetic location: 15q15.1.
Variant type: Deletion.
Coding change: c.136_145del on transcript NM_000070.3 (MANE Select); coding-DNA positions 136 to 145, 10 bases deleted (ATCATCAGCC; older notation c.136_145delATCATCAGCC).
Protein change: p.Ile46fs; shifts the reading frame from isoleucine 46.
Molecular consequence: frameshift variant.
Genome position (GRCh38, 1-based): chr15:42,359,941-42,359,950, ATCATCAGCC deleted; deleting any 10 consecutive bases within chr15:42,359,935-42,359,950 gives the same sequence; the c. name uses the placement nearest the transcript's 3' end. VCF-style (leftmost placement, unchanged base first): chr15-42359934-TTCAGCCATCA-T. GRCh37 (hg19) VCF-style: chr15-42652132-TTCAGCCATCA-T.
Other names: c.136_145del, p.Ile46fs (NM_024344.2, NM_173087.2); short protein forms I46fs.
Identifiers: ClinVar variation 2845979 (VCV002845979.3), dbSNP rs2548224771, ClinGen allele CA2739278830.

ClinVar aggregate classification (germline): Pathogenic (1 of 4 stars; one submission).

Conditions:
Autosomal recessive limb-girdle muscular dystrophy type 2A (LGMDR1). Also called: Calpainopathy; LEYDEN-MOEBIUS MUSCULAR DYSTROPHY; MUSCULAR DYSTROPHY, PELVOFEMORAL; Limb-girdle muscular dystrophy, type 2A; Muscular dystrophy, limb-girdle, type 2A, Amish. Identifiers: Orphanet 267, MedGen C1869123, MONDO:0009675, OMIM 253600. Disease mechanism: loss of function.

Submission:

Labcorp Genetics (formerly Invitae), Labcorp
Classification: Pathogenic for Autosomal recessive limb-girdle muscular dystrophy type 2A. Last evaluated: 2023-03-14. Review status: criteria provided, single submitter. Criteria: Invitae Variant Classification Sherloc (09022015). Collection method: clinical testing. Allele origin: germline.
Comment: This sequence change creates a premature translational stop signal (p.Ile46Alafs*8) in the CAPN3 gene. It is expected to result in an absent or disrupted protein product. Loss-of-function variants in CAPN3 are known to be pathogenic (PMID: 10330340, 15689361). This variant has not been reported in the literature in individuals affected with CAPN3-related conditions. This variant is not present in population databases (gnomAD no frequency). For these reasons, this variant has been classified as Pathogenic.

Literature cited by the submitters: PubMed 10330340; PubMed 15689361.